The following is an entry in ClinVar:

ClinVar aggregate classification (germline): Uncertain significance. Review status: criteria provided, multiple submitters, no conflicts (2 of 4 stars). 3 submissions from 3 submitters: Uncertain significance (2). 1 of the submissions does not count toward it. Last evaluated 2023-12-20.

Conditions:
Primary ciliary dyskinesia. Also called: Ciliary dyskinesia. Identifiers: Orphanet 244, MedGen C0008780, MONDO:0016575, HP:0012265.

Allele frequency attached by ClinVar (database versions not stated): gnomAD exomes below 0.00001; gnomAD 0.00001; TOPMed 0.00001.
gnomAD v4.1: 10 of 1,613,852 alleles (0.00062%); highest among the groups gnomAD compares: African/African-American, 0.0027%; no homozygotes.

Submissions (3):

Ambry Genetics
Classification: Uncertain significance for Primary ciliary dyskinesia. Last evaluated: 2023-12-20. Review status: criteria provided, single submitter. Criteria: Ambry Variant Classification Scheme 2023. Collection method: clinical testing. Allele origin: germline.

Labcorp Genetics (formerly Invitae), Labcorp
Classification: Uncertain significance for Primary ciliary dyskinesia. Last evaluated: 2022-08-01. Review status: criteria provided, single submitter. Criteria: Invitae Variant Classification Sherloc (09022015). Collection method: clinical testing. Allele origin: germline.
Comment: This sequence change replaces proline, which is neutral and non-polar, with serine, which is neutral and polar, at codon 2785 of the DNAH5 protein (p.Pro2785Ser). This variant is not present in population databases (gnomAD no frequency). This variant has not been reported in the literature in individuals affected with DNAH5-related conditions. ClinVar contains an entry for this variant (Variation ID: 839051). Algorithms developed to predict the effect of missense changes on protein structure and function are either unavailable or do not agree on the potential impact of this missense change (SIFT: "Deleterious"; PolyPhen-2: "Possibly Damaging"; Align-GVGD: "Class C0"). In summary, the available evidence is currently insufficient to determine the role of this variant in disease. Therefore, it has been classified as a Variant of Uncertain Significance.

Natera, Inc.
Classification: Uncertain significance for Primary ciliary dyskinesia. Last evaluated: 2020-01-24. Review status: no assertion criteria provided. Collection method: clinical testing. Allele origin: germline. Not counted in ClinVar's aggregate classification.

NM_001369.3(DNAH5):c.8353C>T (p.Pro2785Ser)

Gene: DNAH5 (dynein axonemal heavy chain 5; minus strand). Cytogenetic location: 5p15.2.
Variant type: single nucleotide variant.
Coding change: c.8353C>T on transcript NM_001369.3 (MANE Select); coding-DNA position 8353, C replaced by T.
Protein change: p.Pro2785Ser; replaces proline 2785 with serine.
Molecular consequence: missense variant.
Genome position (GRCh38, 1-based): chr5:13,792,089, G>A on the plus strand (C>T on the coding strand, the complement: DNAH5 is on the minus strand). VCF-style: chr5-13792089-G-A. GRCh37 (hg19) VCF-style: chr5-13792198-G-A.
Other names: short protein forms P2785S.
Identifiers: ClinVar variation 839051 (VCV000839051.5), dbSNP rs1167219863, ClinGen allele CA359219200.